The following is an entry in ClinVar:

ClinVar aggregate classification (germline): Pathogenic (1 of 4 stars; one submission).

Submission:

Labcorp Genetics (formerly Invitae), Labcorp
Classification: Pathogenic. Last evaluated: 2025-03-07. Review status: criteria provided, single submitter. Criteria: Invitae Variant Classification Sherloc (09022015). Collection method: clinical testing. Allele origin: germline.
Comment: This sequence change creates a premature translational stop signal (p.Gln443*) in the NOTCH3 gene. It is expected to result in an absent or disrupted protein product. Loss-of-function variants in NOTCH3 are known to be pathogenic (PMID: 25870235, 32980981, 38824264). This variant is not present in population databases (gnomAD no frequency). This variant has not been reported in the literature in individuals affected with NOTCH3-related conditions. ClinVar contains an entry for this variant (Variation ID: 2016229). Experimental studies and prediction algorithms are not available or were not evaluated, and the functional significance of this variant is currently unknown. For these reasons, this variant has been classified as Pathogenic.

Literature cited by the submitters: PubMed 25870235; PubMed 32980981; PubMed 38824264.

NM_000435.3(NOTCH3):c.1327C>T (p.Gln443Ter)

Gene: NOTCH3 (notch receptor 3; minus strand). Cytogenetic location: 19p13.12.
Variant type: single nucleotide variant.
Coding change: c.1327C>T on transcript NM_000435.3 (MANE Select); coding-DNA position 1327, C replaced by T.
Protein change: p.Gln443Ter; replaces glutamine 443 with a stop codon.
Molecular consequence: nonsense.
Genome position (GRCh38, 1-based): chr19:15,189,040, G>A on the plus strand (C>T on the coding strand, the complement: NOTCH3 is on the minus strand). VCF-style: chr19-15189040-G-A. GRCh37 (hg19) VCF-style: chr19-15299851-G-A.
Other names: short protein forms Q443*.
Identifiers: ClinVar variation 2016229 (VCV002016229.4), dbSNP rs2512661152, ClinGen allele CA404527786.
Genomic context (GRCh38, chr19:15,189,040, plus strand): 5'-ACCACCCACCTGCCATACAGATACAGGTGAACTGGCCTATGCGGTCGAGGCACGTGGCCT[G>A]GTTTCGGCAGGGCCCCGACAGACACTCGTTGACATCGGTCTCACAGCGAGGTCCAGTGTA-3'